The following is an entry in ClinVar:

ClinVar aggregate classification (germline): Uncertain significance. Review status: criteria provided, multiple submitters, no conflicts (2 of 4 stars). 2 submissions from 2 submitters: Uncertain significance (2). Last evaluated 2023-05-25.

Conditions:
Cardiovascular phenotype. Identifiers: MedGen CN230736.
Catecholaminergic polymorphic ventricular tachycardia 1. Also called: VENTRICULAR TACHYCARDIA, CATECHOLAMINERGIC POLYMORPHIC, 1, WITH OR WITHOUT ATRIAL DYSFUNCTION AND/OR DILATED CARDIOMYOPATHY; VENTRICULAR TACHYCARDIA, STRESS-INDUCED POLYMORPHIC 1; RYR2-Related Catecholaminergic Polymorphic Ventricular Tachycardia. Identifiers: Orphanet 3286, MedGen C1631597, MONDO:0011484, OMIM 604772.

Allele frequency attached by ClinVar (database versions not stated): TOPMed below 0.00001.
gnomAD v4.1: 1 of 1,606,032 alleles (0.000062%); highest among the groups gnomAD compares: Non-Finnish European, 0.000085%; no homozygotes.

Submissions (2):

Clinical Genomics Laboratory, Stanford Medicine
Classification: Uncertain significance for Catecholaminergic polymorphic ventricular tachycardia 1. Last evaluated: 2023-05-25. Review status: criteria provided, single submitter. Criteria: ACMG Guidelines, 2015. Collection method: clinical testing. Allele origin: germline. Observed: 1 variant allele, 1 heterozygote.
Comment: The p.Ala1568Thr variant in the RYR2 gene has not been previously reported in association with disease. This variant was absent from large population databases, including the Genome Aggregation Database. This variant is present in ClinVar (Accession: VCV001742560.2). The RYR2 gene has fewer missense variants in the general population than expected. A low rate of missense variation may suggest that this gene is intolerant to missense variation. The alanine at position 1568 is evolutionarily conserved. Computational tools predict that the p.Ala1568Thr variant is deleterious; however, the accuracy of in silico algorithms is limited. These data were assessed using the ACMG/AMP variant interpretation guidelines. In summary, the significance of the p.Ala1568Thr variant is uncertain. Additional information is needed to resolve the significance of this variant. [ACMG evidence codes used: PM2; PP2; PP3]

Ambry Genetics
Classification: Uncertain significance for Cardiovascular phenotype. Last evaluated: 2020-10-02. Review status: criteria provided, single submitter. Criteria: Ambry Variant Classification Scheme 2023. Collection method: clinical testing. Allele origin: germline.
Comment: The p.A1568T variant (also known as c.4702G>A), located in coding exon 36 of the RYR2 gene, results from a G to A substitution at nucleotide position 4702. The alanine at codon 1568 is replaced by threonine, an amino acid with similar properties. This amino acid position is highly conserved in available vertebrate species. In addition, this alteration is predicted to be deleterious by in silico analysis. Since supporting evidence is limited at this time, the clinical significance of this alteration remains unclear.

NM_001035.3(RYR2):c.4702G>A (p.Ala1568Thr)

Gene: RYR2 (ryanodine receptor 2; plus strand). Cytogenetic location: 1q43.
Variant type: single nucleotide variant.
Coding change: c.4702G>A on transcript NM_001035.3 (MANE Select); coding-DNA position 4702, G replaced by A.
Protein change: p.Ala1568Thr; replaces alanine 1568 with threonine.
Molecular consequence: missense variant.
Genome position (GRCh38, 1-based): chr1:237,610,780, G>A. VCF-style: chr1-237610780-G-A. GRCh37 (hg19) VCF-style: chr1-237774080-G-A.
Other names: short protein forms A1568T.
Identifiers: ClinVar variation 1742560 (VCV001742560.3), dbSNP rs1677758037, ClinGen allele CA345402234.